The following is an entry in ClinVar:

NM_001378120.1(MBD5):c.3066T>C (p.Pro1022=)

Gene: MBD5 (methyl-CpG binding domain protein 5; plus strand). Cytogenetic location: 2q23.1.
Variant type: single nucleotide variant.
Coding change: c.3066T>C on transcript NM_001378120.1 (MANE Select); coding-DNA position 3066, T replaced by C.
Protein change: p.Pro1022=; no amino-acid change (proline 1022 retained).
Molecular consequence: synonymous variant. On other transcripts: intron variant (6).
Genome position (GRCh38, 1-based): chr2:148,483,657, T>C. VCF-style: chr2-148483657-T-C. GRCh37 (hg19) VCF-style: chr2-149241226-T-C.
Other names: c.3066T>C, p.Pro1022= (NM_001438854.1, NM_001438856.1, NM_001438857.1 and 1 more transcripts); c.2845+221T>C (NM_018328.5, NM_001438862.1, NM_001438860.1 and 3 more transcripts).
Identifiers: ClinVar variation 4872402 (VCV004872402.2).
Genomic context (GRCh38, chr2:148,483,657, plus strand): 5'-GCTTCCCCTGCCATCTTTCAATCTGACCATCTCAGATCTTTTGCAACAGCAAAATACCCC[T>C]TTACCCTCATTAACACAGATGACAGCCCCACCAGACCATTTGCCAAGCAATCAGTCAGAC-3'
Protein context (NP_001365049.1, residues 1012-1032): ISDLLQQQNT[Pro1022=]LPSLTQMTAP

ClinVar aggregate classification (germline): Likely benign (1 of 4 stars; one submission).

Submission:

CeGaT Center for Human Genetics Tuebingen
Classification: Likely benign. Last evaluated: 2026-04-01. Review status: criteria provided, single submitter. Criteria: CeGaT Center For Human Genetics Tuebingen Variant Classification Criteria Version 2. Collection method: clinical testing. Allele origin: germline. Affected: yes. Observed: 1 variant allele.
Comment: MBD5: PM2:Supporting, BP4, BP7